The following is an entry in ClinVar:

NM_004560.4(ROR2):c.1853C>T (p.Thr618Ile)

Gene: ROR2 (receptor tyrosine kinase like orphan receptor 2; minus strand). Cytogenetic location: 9q22.31.
Variant type: single nucleotide variant.
Coding change: c.1853C>T on transcript NM_004560.4 (MANE Select); coding-DNA position 1853, C replaced by T.
Protein change: p.Thr618Ile; replaces threonine 618 with isoleucine.
Molecular consequence: missense variant.
Genome position (GRCh38, 1-based): chr9:91,724,641, G>A on the plus strand (C>T on the coding strand, the complement: ROR2 is on the minus strand). VCF-style: chr9-91724641-G-A. GRCh37 (hg19) VCF-style: chr9-94486923-G-A.
Other names: short protein forms T618I.
Identifiers: ClinVar variation 2803286 (VCV002803286.3), dbSNP rs1207983824, ClinGen allele CA373797302.

ClinVar aggregate classification (germline): Uncertain significance (1 of 4 stars; one submission).

Allele frequency attached by ClinVar (database versions not stated): TOPMed below 0.00001; gnomAD 0.00001; gnomAD exomes 0.00001.
gnomAD v4.1: 7 of 1,614,102 alleles (0.00043%); highest among the groups gnomAD compares: South Asian, 0.0022%; no homozygotes.

Submission:

Labcorp Genetics (formerly Invitae), Labcorp
Classification: Uncertain significance. Last evaluated: 2023-05-23. Review status: criteria provided, single submitter. Criteria: Invitae Variant Classification Sherloc (09022015). Collection method: clinical testing. Allele origin: germline.
Comment: In summary, the available evidence is currently insufficient to determine the role of this variant in disease. Therefore, it has been classified as a Variant of Uncertain Significance. Advanced modeling of protein sequence and biophysical properties (such as structural, functional, and spatial information, amino acid conservation, physicochemical variation, residue mobility, and thermodynamic stability) performed at Invitae indicates that this missense variant is not expected to disrupt ROR2 protein function. This variant has not been reported in the literature in individuals affected with ROR2-related conditions. This variant is present in population databases (no rsID available, gnomAD 0.0009%). This sequence change replaces threonine, which is neutral and polar, with isoleucine, which is neutral and non-polar, at codon 618 of the ROR2 protein (p.Thr618Ile).